The following continues an entry in ClinVar:

NM_001377.3(DYNC2H1):c.3682C>A (p.Leu1228Ile)

Gene: DYNC2H1. ClinVar aggregate classification (germline): Conflicting classifications of pathogenicity. Uncertain significance (8); Likely benign (7).

Submissions 17 to 21 of 21:

Clinical Genetics DNA and cytogenetics Diagnostics Lab, Erasmus MC, Erasmus Medical Center
Classification: Uncertain significance. Review status: no assertion criteria provided. Collection method: clinical testing. Allele origin: germline. Affected: yes. Study: VKGL Data-share Consensus. Not counted in ClinVar's aggregate classification.

Department of Pathology and Laboratory Medicine, Sinai Health System
Classification: Uncertain significance. Review status: no assertion criteria provided. Collection method: clinical testing. Allele origin: unknown. Affected: yes. Study: The Canadian Open Genetics Repository (COGR). Not counted in ClinVar's aggregate classification.
Comment: The DYNC2H1 p.Leu1228Ile variant was identified in 4 of 446 proband chromosomes (frequency: 0.00897) from individuals or families with short-rib polydactyly syndromes (SRPS), asphyxiating thoracic dystrophy (ATD) or Ellis van Creveld (EVC) syndrome (Schmidts_2013_PMID:23456818; Zhang_2018_PMID:29068549). The variant was also identified in dbSNP (ID: rs189806840), ClinVar (classified as likely benign by Invitae and GeneDx, a VUS by 4 labs and pathogenic by Dan Cohn Lab,University Of California Los Angeles) and LOVD 3.0. The variant was not identified in Cosmic. The variant was identified in control databases in 442 of 279018 chromosomes at a frequency of 0.001584 increasing the likelihood this could be a low frequency benign variant (Genome Aggregation Database Feb 27, 2017). The variant was observed in the following populations: Other in 21 of 7080 chromosomes (freq: 0.002966), Latino in 104 of 35140 chromosomes (freq: 0.00296), European (non-Finnish) in 290 of 127576 chromosomes (freq: 0.002273), African in 22 of 24080 chromosomes (freq: 0.000914), European (Finnish) in 4 of 24956 chromosomes (freq: 0.00016) and Ashkenazi Jewish in 1 of 10318 chromosomes (freq: 0.000097), while the variant was not observed in the East Asian and South Asian populations. The p.Leu1228 residue is conserved in mammals and computational analyses (PolyPhen-2, SIFT, AlignGVGD, BLOSUM, MutationTaster) provide inconsistent predictions regarding the impact to the protein; this information is not very predictive of pathogenicity. The variant occurs outside of the splicing consensus sequence and in silico or computational prediction software programs (SpliceSiteFinder, MaxEntScan, NNSPLICE, GeneSplicer) do not predict a difference in splicing. In summary, based on the above information the clinical significance of this variant cannot be determined with certainty at this time. This variant is classified as a variant of uncertain significance.

Joint Genome Diagnostic Labs from Nijmegen and Maastricht, Radboudumc and MUMC+
Classification: Uncertain significance. Review status: no assertion criteria provided. Collection method: clinical testing. Allele origin: germline. Affected: yes. Study: VKGL Data-share Consensus. Not counted in ClinVar's aggregate classification.

Laboratory of Diagnostic Genome Analysis, Leiden University Medical Center (LUMC)
Classification: Uncertain significance. Review status: no assertion criteria provided. Collection method: clinical testing. Allele origin: germline. Affected: yes. Study: VKGL Data-share Consensus. Not counted in ClinVar's aggregate classification.

University of Washington Center for Mendelian Genomics, University of Washington
Classification: Likely pathogenic for asphyxiating thoracic dystrophy. Review status: no assertion criteria provided. Collection method: research. Allele origin: inherited. Affected: yes. Not counted in ClinVar's aggregate classification.

Literature cited by the submitters: PubMed 24448499 (cited by Women's Health and Genetics/Laboratory Corporation of America, LabCorp); PubMed 30755392 (cited by Women's Health and Genetics/Laboratory Corporation of America, LabCorp and Institute of Human Genetics, Univ. Regensburg, Univ. Regensburg); PubMed 29068549 (cited by 5 submitters); PubMed 34740920 (cited by 3 submitters); PubMed 26874042 (cited by 3 submitters); PubMed 23456818 (cited by 3 submitters); PubMed 37091781 (cited by Women's Health and Genetics/Laboratory Corporation of America, LabCorp); PubMed 21935354 (cited by Women's Health and Genetics/Laboratory Corporation of America, LabCorp); PubMed 40769470 (cited by Women's Health and Genetics/Laboratory Corporation of America, LabCorp).